The following is an entry in ClinVar:

NM_014687.4(RUBCN):c.1786+2562C>A

Gene: RUBCN (rubicon autophagy regulator; minus strand). Cytogenetic location: 3q29.
Variant type: single nucleotide variant.
Coding change: c.1786+2562C>A on transcript NM_014687.4 (MANE Select); 2562 bases into the intron after coding-DNA position 1786, C replaced by A.
Molecular consequence: intron variant.
Genome position (GRCh38, 1-based): chr3:197,691,153, G>T on the plus strand (C>A on the coding strand, the complement: RUBCN is on the minus strand). VCF-style: chr3-197691153-G-T. GRCh37 (hg19) VCF-style: chr3-197418024-G-T.
Other names: c.1651+2562C>A (NM_001145642.5); c.1829-5C>A (NM_001346873.2).
Identifiers: ClinVar variation 3035662 (VCV003035662.2), dbSNP rs921946429, ClinGen allele CA90966396.

ClinVar aggregate classification (germline): Likely benign (0 of 4 stars; one submission).

Conditions:
RUBCN-related disorder. Also called: RUBCN-related condition.

Allele frequency attached by ClinVar (database versions not stated): gnomAD 0.00001; gnomAD exomes 0.00001; TOPMed 0.00002.
gnomAD v4.1: 9 of 1,269,820 alleles (0.00071%); highest among the groups gnomAD compares: Admixed American, 0.016%; no homozygotes.

Submission:

PreventionGenetics, part of Exact Sciences
Classification: Likely benign for RUBCN-related condition. Last evaluated: 2019-08-14. Review status: no assertion criteria provided. Collection method: clinical testing. Allele origin: germline.
Comment: This variant is classified as likely benign based on ACMG/AMP sequence variant interpretation guidelines (Richards et al. 2015 PMID: 25741868, with internal and published modifications).